The following is an entry in ClinVar:

NM_004104.5(FASN):c.1631G>A (p.Ser544Asn)

Gene: FASN (fatty acid synthase; minus strand). Cytogenetic location: 17q25.3.
Variant type: single nucleotide variant.
Coding change: c.1631G>A on transcript NM_004104.5 (MANE Select); coding-DNA position 1631, G replaced by A.
Protein change: p.Ser544Asn; replaces serine 544 with asparagine.
Molecular consequence: missense variant.
Genome position (GRCh38, 1-based): chr17:82,090,931, C>T on the plus strand (G>A on the coding strand, the complement: FASN is on the minus strand). VCF-style: chr17-82090931-C-T. GRCh37 (hg19) VCF-style: chr17-80048807-C-T.
Other names: short protein forms S544N.
Identifiers: ClinVar variation 660957 (VCV000660957.8), dbSNP rs1351671185, ClinGen allele CA401560045.

ClinVar aggregate classification (germline): Uncertain significance (1 of 4 stars; one submission).

Conditions:
Epileptic encephalopathy. Identifiers: MedGen C0543888, HP:0200134.

Allele frequency attached by ClinVar (database versions not stated): TOPMed below 0.00001.

Submission:

Labcorp Genetics (formerly Invitae), Labcorp
Classification: Uncertain significance for Epileptic encephalopathy. Last evaluated: 2023-11-10. Review status: criteria provided, single submitter. Criteria: Invitae Variant Classification Sherloc (09022015). Collection method: clinical testing. Allele origin: germline.
Comment: This sequence change replaces serine, which is neutral and polar, with asparagine, which is neutral and polar, at codon 544 of the FASN protein (p.Ser544Asn). This variant is not present in population databases (gnomAD no frequency). This variant has not been reported in the literature in individuals affected with FASN-related conditions. ClinVar contains an entry for this variant (Variation ID: 660957). Algorithms developed to predict the effect of missense changes on protein structure and function output the following: SIFT: "Not Available"; PolyPhen-2: "Benign"; Align-GVGD: "Not Available". The asparagine amino acid residue is found in multiple mammalian species, which suggests that this missense change does not adversely affect protein function. In summary, the available evidence is currently insufficient to determine the role of this variant in disease. Therefore, it has been classified as a Variant of Uncertain Significance.